The following is an entry in ClinVar:

ClinVar aggregate classification (germline): Uncertain significance (1 of 4 stars; one submission).

Submission:

GeneDx
Classification: Uncertain significance. Last evaluated: 2025-02-24. Review status: criteria provided, single submitter. Criteria: GeneDx Variant Classification Process June 2021. Collection method: clinical testing. Allele origin: germline. Affected: yes.
Comment: Not observed at significant frequency in large population cohorts (gnomAD); In silico analysis supports that this missense variant has a deleterious effect on protein structure/function; Has not been previously published as pathogenic or benign to our knowledge; Also known as G3640V

NM_000384.3(APOB):c.11000G>T (p.Gly3667Val)

Gene: APOB (apolipoprotein B; minus strand). Cytogenetic location: 2p24.1.
Variant type: single nucleotide variant.
Coding change: c.11000G>T on transcript NM_000384.3 (MANE Select); coding-DNA position 11000, G replaced by T.
Protein change: p.Gly3667Val; replaces glycine 3667 with valine.
Molecular consequence: missense variant.
Genome position (GRCh38, 1-based): chr2:21,005,868, C>A on the plus strand (G>T on the coding strand, the complement: APOB is on the minus strand). VCF-style: chr2-21005868-C-A. GRCh37 (hg19) VCF-style: chr2-21228740-C-A.
Other names: short protein forms G3667V.
Identifiers: ClinVar variation 4076896 (VCV004076896.1).